The following is an entry in ClinVar:

ClinVar aggregate classification (germline): Uncertain significance. Review status: criteria provided, multiple submitters, no conflicts (2 of 4 stars). 4 submissions from 4 submitters: Uncertain significance (4). Last evaluated 2025-03-06.

Conditions:
Autosomal recessive limb-girdle muscular dystrophy type 2J (LGMDR10). Also called: Limb-girdle muscular dystrophy, type 2J; MUSCULAR DYSTROPHY, LIMB-GIRDLE, AUTOSOMAL RECESSIVE 10. Identifiers: Orphanet 140922, MedGen C1837342, MONDO:0012127, OMIM 608807.
Dilated cardiomyopathy 1G (CMD1G). Identifiers: Orphanet 154, MedGen C1858763, MONDO:0011400, OMIM 604145.

Allele frequency attached by ClinVar (database versions not stated): gnomAD 0.00001 and 0.00002; gnomAD exomes 0.00001 and 0.00002; TOPMed 0.00002.
gnomAD v4.1: 10 of 1,599,078 alleles (0.00063%); highest among the groups gnomAD compares: Admixed American, 0.014%; no homozygotes.

Submissions (4):

ARUP Laboratories, Molecular Genetics and Genomics, ARUP Laboratories
Classification: Uncertain significance. Last evaluated: 2025-03-06. Review status: criteria provided, single submitter. Criteria: ARUP Molecular Germline Variant Investigation Process 2024. Collection method: clinical testing. Allele origin: germline.
Comment: The TTN c.34670C>T; p.Pro11557Leu variant (rs887706962; ClinVar Variation ID: 535089) is rare in the general population (<0.2% allele frequency in the Genome Aggregation Database) and has not been reported in the medical literature in association with dilated cardiomyopathy (DCM) or other TTN-related disease. The clinical relevance of rare missense variants in this gene, which are identified on average once per individual sequenced in affected populations (Herman 2012), is not well understood. Yet, evidence suggests that the vast majority of such missense variants do not contribute to the clinical outcome of DCM (Begay 2015). Thus, the clinical significance of the p.Pro11557Leu variant cannot be determined with certainty. References: Begay RL et al. Role of Titin Missense Variants in Dilated Cardiomyopathy. J Am Heart Assoc. 2015 Nov 13;4(11). PMID: 26567375. Herman DS et al. Truncations of titin causing dilated cardiomyopathy. N Engl J Med. 2012 Feb 16;366(7):619-28. PMID: 22335739. Linke WA and Hamdani N. Gigantic business: titin properties and function through thick and thin. Circ Res 2014; 114(6): 1052-1068. PMID: 24625729.

Revvity Omics, Revvity
Classification: Uncertain significance. Last evaluated: 2024-01-21. Review status: criteria provided, single submitter. Criteria: ACMG Guidelines, 2015. Collection method: clinical testing. Allele origin: germline.

Women's Health and Genetics/Laboratory Corporation of America, LabCorp
Classification: Uncertain significance. Last evaluated: 2022-07-21. Review status: criteria provided, single submitter. Criteria: LabCorp Variant Classification Summary - May 2015. Collection method: clinical testing. Allele origin: germline.
Comment: Variant summary: TTN c.30767C>T (p.Pro10256Leu) results in a non-conservative amino acid change located in the I-band region of the encoded protein sequence. Three of five in-silico tools predict a benign effect of the variant on protein function. The variant allele was found at a frequency of 2.1e-05 in 236494 control chromosomes (gnomAD). The available data on variant occurrences in the general population are insufficient to allow any conclusion about variant significance. To our knowledge, no occurrence of c.30767C>T in individuals affected with Limb-Girdle Muscular Dystrophy, Type 2J and no experimental evidence demonstrating its impact on protein function have been reported. One clinical diagnostic laboratory has submitted clinical-significance assessments for this variant to ClinVar after 2014 without evidence for independent evaluation, and classified the variant as uncertain significance. Based on the evidence outlined above, the variant was classified as uncertain significance.

Labcorp Genetics (formerly Invitae), Labcorp
Classification: Uncertain significance for Dilated cardiomyopathy 1G; Autosomal recessive limb-girdle muscular dystrophy type 2J. Last evaluated: 2017-10-26. Review status: criteria provided, single submitter. Criteria: Invitae Variant Classification Sherloc (09022015). Collection method: clinical testing. Allele origin: germline.

NM_001267550.2(TTN):c.34670C>T (p.Pro11557Leu)

Gene: TTN (titin; minus strand). Cytogenetic location: 2q31.2.
Variant type: single nucleotide variant.
Coding change: c.34670C>T on transcript NM_001267550.2 (MANE Select); coding-DNA position 34670, C replaced by T.
Protein change: p.Pro11557Leu; replaces proline 11557 with leucine.
Molecular consequence: missense variant. On other transcripts: intron variant (3).
Genome position (GRCh38, 1-based): chr2:178,674,352, G>A on the plus strand (C>T on the coding strand, the complement: TTN is on the minus strand). VCF-style: chr2-178674352-G-A. GRCh37 (hg19) VCF-style: chr2-179539079-G-A.
Other names: c.33548C>T, p.Pro11183Leu (NM_001256850.1); c.30767C>T, p.Pro10256Leu (NM_133378.4); c.13283-32035C>T (NM_003319.4); c.13859-32035C>T (NM_133437.4); c.13658-32035C>T (NM_133432.3); short protein forms P11557L, P11183L, P10256L.
Identifiers: ClinVar variation 535089 (VCV000535089.6), dbSNP rs887706962, ClinGen allele CA60979564.